The following is an entry in ClinVar:

NM_001378454.1(ALMS1):c.1324G>T (p.Glu442Ter)

Gene: ALMS1 (ALMS1 centrosome and basal body associated protein; plus strand). Cytogenetic location: 2p13.1.
Variant type: single nucleotide variant.
Coding change: c.1324G>T on transcript NM_001378454.1 (MANE Select); coding-DNA position 1324, G replaced by T.
Protein change: p.Glu442Ter; replaces glutamic acid 442 with a stop codon.
Molecular consequence: nonsense.
Genome position (GRCh38, 1-based): chr2:73,426,539, G>T. VCF-style: chr2-73426539-G-T. GRCh37 (hg19) VCF-style: chr2-73653667-G-T.
Other names: c.1327G>T, p.Glu443Ter (NM_015120.4); short protein forms E442*, E443*.
Identifiers: ClinVar variation 1724775 (VCV001724775.2), dbSNP rs2466053037, ClinGen allele CA347261994.

ClinVar aggregate classification (germline): Likely pathogenic (1 of 4 stars; one submission).

Conditions:
Alstrom syndrome (ALMS). Identifiers: Orphanet 64, MedGen C0268425, MONDO:0008763, OMIM 203800.

Submission:

Myriad Genetics, Inc.
Classification: Likely pathogenic for Alstrom syndrome. Last evaluated: 2022-02-25. Review status: criteria provided, single submitter. Criteria: Myriad Women's Health Autosomal Recessive and X-Linked Classification Criteria (2021). Collection method: clinical testing. Allele origin: unknown.
Comment: NM_015120.4(ALMS1):c.1327G>T(E443*) is expected to be pathogenic in the context of Alstrom syndrome. This variant is predicted to lead to an abnormal or absent protein product due to the creation of a premature termination codon in ALMS1, a gene where loss-of-function variants are known to be pathogenic. Please note: this variant was assessed in the context of healthy population screening.